The following is an entry in ClinVar:

ClinVar aggregate classification (germline): Uncertain significance. Review status: criteria provided, multiple submitters, no conflicts (2 of 4 stars). 2 submissions from 2 submitters: Uncertain significance (2). Last evaluated 2025-02-05.

Conditions:
Inborn genetic diseases. Identifiers: MedGen C0950123, MeSH D030342.

Allele frequency attached by ClinVar (database versions not stated): gnomAD 0.00001; TOPMed 0.00006; ExAC 0.00007.
gnomAD v4.1: 35 of 1,614,100 alleles (0.0022%); highest among the groups gnomAD compares: Admixed American, 0.055%; no homozygotes.

Submissions (2):

Ambry Genetics
Classification: Uncertain significance for Inborn genetic diseases. Last evaluated: 2025-02-05. Review status: criteria provided, single submitter. Criteria: Ambry Variant Classification Scheme 2023. Collection method: clinical testing. Allele origin: germline.

Labcorp Genetics (formerly Invitae), Labcorp
Classification: Uncertain significance. Last evaluated: 2024-02-05. Review status: criteria provided, single submitter. Criteria: Invitae Variant Classification Sherloc (09022015). Collection method: clinical testing. Allele origin: germline.
Comment: This sequence change replaces alanine, which is neutral and non-polar, with serine, which is neutral and polar, at codon 536 of the GTPBP2 protein (p.Ala536Ser). This variant is present in population databases (rs777229588, gnomAD 0.08%). This variant has not been reported in the literature in individuals affected with GTPBP2-related conditions. ClinVar contains an entry for this variant (Variation ID: 2152543). An algorithm developed to predict the effect of missense changes on protein structure and function (PolyPhen-2) suggests that this variant is likely to be disruptive. In summary, the available evidence is currently insufficient to determine the role of this variant in disease. Therefore, it has been classified as a Variant of Uncertain Significance.

NM_019096.5(GTPBP2):c.1606G>T (p.Ala536Ser)

Gene: GTPBP2 (GTP binding protein 2; minus strand). Cytogenetic location: 6p21.1.
Variant type: single nucleotide variant.
Coding change: c.1606G>T on transcript NM_019096.5 (MANE Select); coding-DNA position 1606, G replaced by T.
Protein change: p.Ala536Ser; replaces alanine 536 with serine.
Molecular consequence: missense variant.
Genome position (GRCh38, 1-based): chr6:43,622,029, C>A on the plus strand (G>T on the coding strand, the complement: GTPBP2 is on the minus strand). VCF-style: chr6-43622029-C-A. GRCh37 (hg19) VCF-style: chr6-43589766-C-A.
Other names: c.1342G>T, p.Ala448Ser (NM_001286216.2); short protein forms A448S, A536S.
Identifiers: ClinVar variation 2152543 (VCV002152543.6), dbSNP rs777229588, ClinGen allele CA3827509.